The following is an entry in ClinVar:

NM_020921.4(NIN):c.5663A>G (p.His1888Arg)

Gene: NIN (ninein; minus strand). Cytogenetic location: 14q22.1.
Variant type: single nucleotide variant.
Coding change: c.5663A>G on transcript NM_020921.4 (MANE Select); coding-DNA position 5663, A replaced by G.
Protein change: p.His1888Arg; replaces histidine 1888 with arginine.
Molecular consequence: missense variant.
Genome position (GRCh38, 1-based): chr14:50,738,252, T>C on the plus strand (A>G on the coding strand, the complement: NIN is on the minus strand). VCF-style: chr14-50738252-T-C. GRCh37 (hg19) VCF-style: chr14-51204970-T-C.
Other names: c.3524A>G, p.His1175Arg (NM_016350.5); c.5663A>G, p.His1888Arg (NM_182944.3, NM_182946.2); short protein forms H1175R, H1888R.
Identifiers: ClinVar variation 4719095 (VCV004719095.1).
Genomic context (GRCh38, chr14:50,738,252, plus strand): 5'-AAGCTCAATTTTTCTTGCTCTGTGGGATTCATGGTACCTGATGGGTTTAGATGTTTTTGG[T>C]GCTTGGGAAGAAGATTGGATTCCAACTGACGGACCTAACAGGAACAAATGTAAGAGGAAA-3'
Protein context (NP_065972.4, residues 1878-1898): RQLESNLLPK[His1888Arg]QKHLNPSGTM

ClinVar aggregate classification (germline): Uncertain significance (1 of 4 stars; one submission).

gnomAD v4.1: 1 of 1,614,008 alleles (0.000062%); highest among the groups gnomAD compares: Non-Finnish European, 0.000085%; no homozygotes.

Submission:

Labcorp Genetics (formerly Invitae), Labcorp
Classification: Uncertain significance. Last evaluated: 2025-05-06. Review status: criteria provided, single submitter. Criteria: Invitae Variant Classification Sherloc (09022015). Collection method: clinical testing. Allele origin: germline.
Comment: This sequence change replaces histidine, which is basic and polar, with arginine, which is basic and polar, at codon 1888 of the NIN protein (p.His1888Arg). This variant is not present in population databases (gnomAD no frequency). This variant has not been reported in the literature in individuals affected with NIN-related conditions. An algorithm developed to predict the effect of missense changes on protein structure and function (PolyPhen-2) suggests that this variant is likely to be disruptive. In summary, the available evidence is currently insufficient to determine the role of this variant in disease. Therefore, it has been classified as a Variant of Uncertain Significance.